The following is an entry in ClinVar:

ClinVar aggregate classification (germline): Uncertain significance (1 of 4 stars; one submission).

Conditions:
Peroxisome biogenesis disorder 2B (PBD2B). Identifiers: Orphanet 44, MedGen C3550234, MONDO:0008736, OMIM 202370.

Allele frequency attached by ClinVar (database versions not stated): gnomAD exomes below 0.00001.
gnomAD v4.1: 1 of 1,613,954 alleles (0.000062%); highest among the groups gnomAD compares: Non-Finnish European, 0.000085%; no homozygotes.

Submission:

Labcorp Genetics (formerly Invitae), Labcorp
Classification: Uncertain significance for Peroxisome biogenesis disorder 2B. Last evaluated: 2022-07-19. Review status: criteria provided, single submitter. Criteria: Invitae Variant Classification Sherloc (09022015). Collection method: clinical testing. Allele origin: germline.
Comment: This sequence change replaces threonine, which is neutral and polar, with alanine, which is neutral and non-polar, at codon 378 of the PEX5 protein (p.Thr378Ala). In summary, the available evidence is currently insufficient to determine the role of this variant in disease. Therefore, it has been classified as a Variant of Uncertain Significance. Algorithms developed to predict the effect of missense changes on protein structure and function (SIFT, PolyPhen-2, Align-GVGD) all suggest that this variant is likely to be tolerated. ClinVar contains an entry for this variant (Variation ID: 1490762). This variant has not been reported in the literature in individuals affected with PEX5-related conditions. This variant is not present in population databases (gnomAD no frequency).

NM_001351132.2(PEX5):c.1132A>G (p.Thr378Ala)

Gene: PEX5 (peroxisomal biogenesis factor 5; plus strand). Cytogenetic location: 12p13.31.
Variant type: single nucleotide variant.
Coding change: c.1132A>G on transcript NM_001351132.2 (MANE Select); coding-DNA position 1132, A replaced by G.
Protein change: p.Thr378Ala; replaces threonine 378 with alanine.
Molecular consequence: missense variant.
Genome position (GRCh38, 1-based): chr12:7,208,031, A>G. VCF-style: chr12-7208031-A-G. GRCh37 (hg19) VCF-style: chr12-7360627-A-G.
Other names: c.1132A>G, p.Thr378Ala (NM_001351134.2, NM_001374647.2, NM_001131025.2 and 4 more transcripts); c.1066A>G, p.Thr356Ala (NM_001351135.3, NM_001351138.2); c.1123A>G, p.Thr375Ala (NM_001351136.2); c.1021A>G, p.Thr341Ala (NM_001351137.3, NM_001374645.1, NM_001374646.1 and 7 more transcripts); c.997A>G, p.Thr333Ala (NM_001351139.2, NM_001351140.2, NM_001374649.2); c.1108A>G, p.Thr370Ala (NM_000319.5); c.1177A>G, p.Thr393Ala (NM_001131023.2); short protein forms T375A, T378A, T393A, T333A, T370A, T341A, T356A.
Identifiers: ClinVar variation 1490762 (VCV001490762.8), dbSNP rs2136230585, ClinGen allele CA383731656.